The following is an entry in ClinVar:

NM_018489.3(ASH1L):c.1354C>T (p.Leu452Phe)

Gene: ASH1L (ASH1 like histone lysine methyltransferase; minus strand). Cytogenetic location: 1q22.
Variant type: single nucleotide variant.
Coding change: c.1354C>T on transcript NM_018489.3 (MANE Select); coding-DNA position 1354, C replaced by T.
Protein change: p.Leu452Phe; replaces leucine 452 with phenylalanine.
Molecular consequence: missense variant.
Genome position (GRCh38, 1-based): chr1:155,481,516, G>A on the plus strand (C>T on the coding strand, the complement: ASH1L is on the minus strand). VCF-style: chr1-155481516-G-A. GRCh37 (hg19) VCF-style: chr1-155451307-G-A.
Other names: c.1354C>T, p.Leu452Phe (NM_001366177.2); short protein forms L452F.
Identifiers: ClinVar variation 3257328 (VCV003257328.17).

ClinVar aggregate classification (germline): Uncertain significance (1 of 4 stars; one submission).

Submission:

CeGaT Center for Human Genetics Tuebingen
Classification: Uncertain significance. Last evaluated: 2024-07-01. Review status: criteria provided, single submitter. Criteria: CeGaT Center For Human Genetics Tuebingen Variant Classification Criteria Version 2. Collection method: clinical testing. Allele origin: germline. Affected: yes. Observed: 2 variant alleles.
Comment: ASH1L: PM2, BP4